The following is an entry in ClinVar:

NM_198576.4(AGRN):c.297C>T (p.Asp99=)

Genes: AGRN (agrin; plus strand), LOC126805576 (P300/CBP strongly-dependent group 1 enhancer GRCh37_chr1:956772-957971; plus strand). Cytogenetic location: 1p36.33.
Variant type: single nucleotide variant.
Coding change: c.297C>T on transcript NM_198576.4 (MANE Select); coding-DNA position 297, C replaced by T.
Protein change: p.Asp99=; no amino-acid change (aspartic acid 99 retained).
Molecular consequence: synonymous variant.
Genome position (GRCh38, 1-based): chr1:1,022,296, C>T. VCF-style: chr1-1022296-C-T. GRCh37 (hg19) VCF-style: chr1-957676-C-T.
Other names: c.297C>T, p.Asp99= (NM_001305275.2).
Identifiers: ClinVar variation 736899 (VCV000736899.11), dbSNP rs771686237, ClinGen allele CA507799.
Genomic context (GRCh38, chr1:1,022,296, plus strand): 5'-GGTGGCCCGGGAGAGCCTGCTGGACGGCGGCAACAAGGTGGTGATCAGCGGCTTTGGAGA[C>T]CCCCTCATCTGTGACAACCAGGTGTCCACTGGGGACACCAGGATCTTCTTTGTGAACCCT-3'
Protein context (NP_940978.2, residues 89-109): GNKVVISGFG[Asp99=]PLICDNQVST

ClinVar aggregate classification (germline): Likely benign. Review status: criteria provided, multiple submitters, no conflicts (2 of 4 stars). 2 submissions from 2 submitters: Likely benign (2). Last evaluated 2025-06-01.

Allele frequency attached by ClinVar (database versions not stated): gnomAD below 0.00001 and 0.00001; gnomAD exomes 0.00001; TOPMed 0.00001; ExAC 0.00002.
gnomAD v4.1: 15 of 1,613,200 alleles (0.00093%); highest among the groups gnomAD compares: East Asian, 0.025%; no homozygotes.

Submissions (2):

CeGaT Center for Human Genetics Tuebingen
Classification: Likely benign. Last evaluated: 2025-06-01. Review status: criteria provided, single submitter. Criteria: CeGaT Center For Human Genetics Tuebingen Variant Classification Criteria Version 2. Collection method: clinical testing. Allele origin: germline. Affected: yes. Observed: 1 variant allele.
Comment: AGRN: BP4, BP7

Labcorp Genetics (formerly Invitae), Labcorp
Classification: Likely benign. Last evaluated: 2018-03-29. Review status: criteria provided, single submitter. Criteria: Invitae Variant Classification Sherloc (09022015). Collection method: clinical testing. Allele origin: germline.